The following is an entry in ClinVar:

NM_001039348.3(EFEMP1):c.388A>G (p.Met130Val)

Gene: EFEMP1 (EGF-like fibulin extracellular matrix protein 1; minus strand). Cytogenetic location: 2p16.1.
Variant type: single nucleotide variant.
Coding change: c.388A>G on transcript NM_001039348.3 (MANE Select); coding-DNA position 388, A replaced by G.
Protein change: p.Met130Val; replaces methionine 130 with valine.
Molecular consequence: missense variant.
Genome position (GRCh38, 1-based): chr2:55,917,794, T>C on the plus strand (A>G on the coding strand, the complement: EFEMP1 is on the minus strand). VCF-style: chr2-55917794-T-C. GRCh37 (hg19) VCF-style: chr2-56144929-T-C.
Other names: c.388A>G, p.Met130Val (NM_001039349.3); short protein forms M130V.
Identifiers: ClinVar variation 2873437 (VCV002873437.3), dbSNP rs2465837004, ClinGen allele CA347026570.
Genomic context (GRCh38, chr2:55,917,794, plus strand): 5'-GAATGCGCTGAGGGTCAGCTGGGTTCCGCCGGATGACAAAGTTATTTCGGCCAGTCTGCA[T>C]TTCAGGGCCTGCGACTGCAGCAGCACTGGCCACAAAACCACCCCCGGGCAACACTCCACT-3'
Protein context (NP_001034437.1, residues 120-140): ASAAAVAGPE[Met130Val]QTGRNNFVIR

ClinVar aggregate classification (germline): Uncertain significance (1 of 4 stars; one submission).

Submission:

Labcorp Genetics (formerly Invitae), Labcorp
Classification: Uncertain significance. Last evaluated: 2022-11-17. Review status: criteria provided, single submitter. Criteria: Invitae Variant Classification Sherloc (09022015). Collection method: clinical testing. Allele origin: germline.
Comment: This variant is not present in population databases (gnomAD no frequency). This sequence change replaces methionine, which is neutral and non-polar, with valine, which is neutral and non-polar, at codon 130 of the EFEMP1 protein (p.Met130Val). This variant has not been reported in the literature in individuals affected with EFEMP1-related conditions. In summary, the available evidence is currently insufficient to determine the role of this variant in disease. Therefore, it has been classified as a Variant of Uncertain Significance. Algorithms developed to predict the effect of missense changes on protein structure and function output the following: SIFT: "Tolerated"; PolyPhen-2: "Benign"; Align-GVGD: "Class C0". The valine amino acid residue is found in multiple mammalian species, which suggests that this missense change does not adversely affect protein function.